The following is an entry in ClinVar:

ClinVar aggregate classification (germline): Benign/Likely benign. Review status: criteria provided, multiple submitters, no conflicts (2 of 4 stars). 9 submissions from 9 submitters: Benign (5); Likely benign (2). 2 of the submissions do not count toward it. Last evaluated 2026-02-04.

Conditions:
Neuromuscular disease caused by qualitative or quantitative defects of dysferlin. Also called: Qualitative or quantitative defects of dysferlin; Dysferlinopathy. Identifiers: Orphanet 207073, MedGen C2931687, MONDO:0016145.

Allele frequency attached by ClinVar (database versions not stated): gnomAD exomes 0.00033 and 0.00109; ExAC 0.00137; 1000 Genomes Project 0.00319; gnomAD 0.00327 and 0.00349; ESP Exome Variant Server 0.00346; TOPMed 0.00373; 1000 Genomes Project 30x 0.00375.
gnomAD v4.1: 985 of 1,614,208 alleles (0.061%); highest among the groups gnomAD compares: African/African-American, 1.1%; 7 homozygotes.

Submissions (9):

Labcorp Genetics (formerly Invitae), Labcorp
Classification: Benign for Neuromuscular disease caused by qualitative or quantitative defects of dysferlin. Last evaluated: 2026-02-04. Review status: criteria provided, single submitter. Criteria: Invitae Variant Classification Sherloc (09022015). Collection method: clinical testing. Allele origin: germline.

CeGaT Center for Human Genetics Tuebingen
Classification: Likely benign. Last evaluated: 2025-12-01. Review status: criteria provided, single submitter. Criteria: CeGaT Center For Human Genetics Tuebingen Variant Classification Criteria Version 2. Collection method: clinical testing. Allele origin: germline. Affected: yes. Observed: 1 variant allele.
Comment: DYSF: BP4, BP7, BS1

Mayo Clinic Laboratories, Mayo Clinic
Classification: Benign. Last evaluated: 2025-07-17. Review status: criteria provided, single submitter. Criteria: ACMG Guidelines, 2015. Collection method: clinical testing. Allele origin: germline. Observed: 1 variant allele.
Comment: BS1, BS2, BP4, BP7

Blueprint Genetics
Classification: Likely benign. Last evaluated: 2024-11-04. Review status: criteria provided, single submitter. Criteria: ACMG Guidelines, 2015. Collection method: clinical testing. Allele origin: germline.

GeneDx
Classification: Benign. Last evaluated: 2018-05-11. Review status: criteria provided, single submitter. Criteria: GeneDx Variant Classification Process June 2021. Collection method: clinical testing. Allele origin: germline. Affected: yes.

Athena Diagnostics
Classification: Benign. Last evaluated: 2017-12-20. Review status: criteria provided, single submitter. Criteria: Athena Diagnostics Criteria. Collection method: clinical testing. Allele origin: germline.

Eurofins Ntd Llc (ga)
Classification: Benign. Last evaluated: 2013-07-15. Review status: criteria provided, single submitter. Criteria: EGL Classification Definitions 2015. Collection method: clinical testing. Allele origin: germline. Observed: 2 variant alleles, 2 heterozygotes.

Genome Diagnostics Laboratory, University Medical Center Utrecht
Classification: Benign. Review status: no assertion criteria provided. Collection method: clinical testing. Allele origin: germline. Affected: yes. Study: VKGL Data-share Consensus. Not counted in ClinVar's aggregate classification.

Laboratory of Diagnostic Genome Analysis, Leiden University Medical Center (LUMC)
Classification: Likely benign. Review status: no assertion criteria provided. Collection method: clinical testing. Allele origin: germline. Affected: yes. Study: VKGL Data-share Consensus. Not counted in ClinVar's aggregate classification.

NM_001130987.2(DYSF):c.2817G>A (p.Ser939=)

Gene: DYSF (dysferlin; plus strand). Cytogenetic location: 2p13.2.
Variant type: single nucleotide variant.
Coding change: c.2817G>A on transcript NM_001130987.2 (MANE Select); coding-DNA position 2817, G replaced by A.
Protein change: p.Ser939=; no amino-acid change (serine 939 retained).
Molecular consequence: synonymous variant.
Genome position (GRCh38, 1-based): chr2:71,568,291, G>A. VCF-style: chr2-71568291-G-A. GRCh37 (hg19) VCF-style: chr2-71795421-G-A.
Other names: p.Ser921=; c.2766G>A, p.Ser922= (NM_001130455.2, NM_001130983.2); c.2721G>A, p.Ser907= (NM_001130976.2, NM_001130977.2); c.2763G>A, p.Ser921= (NM_001130978.2, NM_003494.4); c.2856G>A, p.Ser952= (NM_001130979.2); c.2814G>A, p.Ser938= (NM_001130980.2, NM_001130981.2); c.2859G>A, p.Ser953= (NM_001130982.2); c.2724G>A, p.Ser908= (NM_001130984.2, NM_001130986.2); and 1 more.
Identifiers: ClinVar variation 94293 (VCV000094293.28), dbSNP rs148902254, ClinGen allele CA147738.